The following is an entry in ClinVar:

NM_017514.5(PLXNA3):c.4722A>G (p.Ala1574=)

Gene: PLXNA3 (plexin A3; plus strand). Cytogenetic location: Xq28.
Variant type: single nucleotide variant.
Coding change: c.4722A>G on transcript NM_017514.5 (MANE Select); coding-DNA position 4722, A replaced by G.
Protein change: p.Ala1574=; no amino-acid change (alanine 1574 retained).
Molecular consequence: synonymous variant.
Genome position (GRCh38, 1-based): chrX:154,469,711, A>G. VCF-style: chrX-154469711-A-G. GRCh37 (hg19) VCF-style: chrX-153698054-A-G.
Identifiers: ClinVar variation 4977328 (VCV004977328.1).
Genomic context (GRCh38, chrX:154,469,711, plus strand): 5'-TTCCTGCACTGCCCCCCTCTGTCTCTGGGGCCTCCAGGTGACAGACGGTTCCTTGGTGGC[A>G]TTGGTGCCCAAACAAGTGTCTGCCTATAACATGGCCAACTCCTTCACCTTCACCCGCTCC-3'
Protein context (NP_059984.3, residues 1564-1584): HYQVTDGSLV[Ala1574=]LVPKQVSAYN

ClinVar aggregate classification (germline): Likely benign (1 of 4 stars; one submission).

Conditions:
PLXNA3-related disorder. Also called: PLXNA3-related condition.

Submission:

PreventionGenetics, part of Exact Sciences
Classification: Likely benign for PLXNA3-related condition. Last evaluated: 2026-02-17. Review status: criteria provided, single submitter. Criteria: ACMG Guidelines, 2015. Collection method: clinical testing. Allele origin: germline.
Comment: This variant is classified as likely benign based on ACMG/AMP sequence variant interpretation guidelines (Richards et al. 2015 PMID: 25741868, with internal and published modifications).